The following is an entry in ClinVar:

NM_004714.3(DYRK1B):c.-1C>T

Gene: DYRK1B (dual specificity tyrosine phosphorylation regulated kinase 1B; minus strand). Cytogenetic location: 19q13.2.
Variant type: single nucleotide variant.
Coding change: c.-1C>T on transcript NM_004714.3 (MANE Select); 1 bases upstream of the start codon, C replaced by T.
Molecular consequence: 5 prime UTR variant.
Genome position (GRCh38, 1-based): chr19:39,831,868, G>A on the plus strand (C>T on the coding strand, the complement: DYRK1B is on the minus strand). VCF-style: chr19-39831868-G-A. GRCh37 (hg19) VCF-style: chr19-40322508-G-A.
Other names: c.-1C>T (NM_006483.3, NM_006484.3).
Identifiers: ClinVar variation 4994346 (VCV004994346.1).

ClinVar aggregate classification (germline): Likely benign (1 of 4 stars; one submission).

Conditions:
DYRK1B-related disorder. Also called: DYRK1B-related condition.

Submission:

PreventionGenetics, part of Exact Sciences
Classification: Likely benign for DYRK1B-related condition. Last evaluated: 2026-06-10. Review status: criteria provided, single submitter. Criteria: ACMG Guidelines, 2015. Collection method: clinical testing. Allele origin: germline.
Comment: This variant is classified as likely benign based on ACMG/AMP sequence variant interpretation guidelines (Richards et al. 2015 PMID: 25741868, with internal and published modifications).